The following is an entry in ClinVar:

ClinVar aggregate classification (germline): Affects (0 of 4 stars; one submission).

Conditions:
PAIN SENSITIVITY QUANTITATIVE TRAIT LOCUS 1 (PAINQTL1). Also called: Insensitivity to pain. Identifiers: MedGen C4760611, OMIM 618377.

Submission:

ClinVar Staff, National Center for Biotechnology Information (NCBI)
Classification: Affects for PAIN SENSITIVITY QUANTITATIVE TRAIT LOCUS 1. Review status: no assertion criteria provided. Collection method: literature only. Allele origin: germline. Inheritance: Autosomal dominant inheritance. Affected: yes.
Comment: The paper by Habib et al., 2019 (PubMed 30929760) describes "a new human genetic disorder in a patient with hypoalgesia, altered fear and memory symptoms, and a non-anxious disposition is attributable to co-inheritance of a microdeletion in a novel pseudogene and a known FAAH hypomorphic SNP." The mechanism was not established but one hypothesis is that "the FAAH-OUT transcript normally functions as a decoy for microRNAs as a result of the high sequence homology, and protects FAAH mRNA from degradation."

Literature cited by the submitters: PubMed 30929760.

Multiple alleles

Variant type: Haplotype.
Identifiers: ClinVar variation 3252039 (VCV003252039.2).